The following is an entry in ClinVar:

NM_144997.7(FLCN):c.1049G>C (p.Arg350Pro)

Gene: FLCN (folliculin; minus strand). Cytogenetic location: 17p11.2.
Variant type: single nucleotide variant.
Coding change: c.1049G>C on transcript NM_144997.7 (MANE Select); coding-DNA position 1049, G replaced by C.
Protein change: p.Arg350Pro; replaces arginine 350 with proline.
Molecular consequence: missense variant.
Genome position (GRCh38, 1-based): chr17:17,219,032, C>G on the plus strand (G>C on the coding strand, the complement: FLCN is on the minus strand). VCF-style: chr17-17219032-C-G. GRCh37 (hg19) VCF-style: chr17-17122346-C-G.
Other names: c.1103G>C, p.Arg368Pro (NM_001353229.2); c.1049G>C, p.Arg350Pro (NM_001353230.2, NM_001353231.2); short protein forms R368P, R350P.
Identifiers: ClinVar variation 5021817 (VCV005021817.1).

ClinVar aggregate classification (germline): Uncertain significance (1 of 4 stars; one submission).

Conditions:
Hereditary cancer-predisposing syndrome. Also called: Neoplastic Syndromes, Hereditary; Tumor predisposition; Hereditary neoplastic syndrome; Hereditary Cancer Syndrome. Identifiers: Orphanet 140162, MedGen C0027672, MeSH D009386, MONDO:0015356.

Submission:

Ambry Genetics
Classification: Uncertain significance for Hereditary cancer-predisposing syndrome. Last evaluated: 2026-06-16. Review status: criteria provided, single submitter. Criteria: Ambry Variant Classification Scheme 2023. Collection method: clinical testing. Allele origin: germline.
Comment: The p.R350P variant (also known as c.1049G>C), located in coding exon 6 of the FLCN gene, results from a G to C substitution at nucleotide position 1049. The arginine at codon 350 is replaced by proline, an amino acid with dissimilar properties. This amino acid position is conserved. In addition, this alteration is predicted to be deleterious by in silico analysis. Based on the available evidence, the clinical significance of this variant remains unclear.